The following is an entry in ClinVar:

NM_001267550.2(TTN):c.106638G>A (p.Arg35546=)

Genes: TTN-AS1 (TTN antisense RNA 1; plus strand), TTN (titin; minus strand). Cytogenetic location: 2q31.2.
Variant type: single nucleotide variant.
Coding change: c.106638G>A on transcript NM_001267550.2 (MANE Select); coding-DNA position 106638, G replaced by A.
Protein change: p.Arg35546=; no amino-acid change (arginine 35546 retained).
Molecular consequence: synonymous variant.
Genome position (GRCh38, 1-based): chr2:178,529,113, C>T on the plus strand (G>A on the coding strand, the complement: TTN is on the minus strand). VCF-style: chr2-178529113-C-T. GRCh37 (hg19) VCF-style: chr2-179393840-C-T.
Other names: p.R33905R:AGG>AGA; p.Arg33905=; c.101715G>A, p.Arg33905= (NM_001256850.1); c.79443G>A, p.Arg26481= (NM_003319.4); c.98934G>A, p.Arg32978= (NM_133378.4); c.79818G>A, p.Arg26606= (NM_133432.3); c.80019G>A, p.Arg26673= (NM_133437.4).
Identifiers: ClinVar variation 47711 (VCV000047711.78), dbSNP rs56324602, ClinGen allele CA284397.

ClinVar aggregate classification (germline): Benign/Likely benign. Review status: criteria provided, multiple submitters, no conflicts (2 of 4 stars). 28 submissions from 21 submitters: Benign (19); Likely benign (4). 5 of the submissions do not count toward it. Last evaluated 2026-02-03.

Conditions:
Dilated cardiomyopathy 1G (CMD1G). Identifiers: Orphanet 154, MedGen C1858763, MONDO:0011400, OMIM 604145.
Autosomal recessive limb-girdle muscular dystrophy type 2J (LGMDR10). Also called: MUSCULAR DYSTROPHY, LIMB-GIRDLE, AUTOSOMAL RECESSIVE 10; Limb-girdle muscular dystrophy, type 2J. Identifiers: Orphanet 140922, MedGen C1837342, MONDO:0012127, OMIM 608807.
Cardiovascular phenotype. Identifiers: MedGen CN230736.
Cardiomyopathy (CMYO). Also called: Cardiomyopathies. Identifiers: Orphanet 167848, MedGen C0878544, MONDO:0004994, HP:0001638. Inheritance: Various modes of inheritance.
Early-onset myopathy with fatal cardiomyopathy (CMYO5). Also called: CONGENITAL MYOPATHY 5 WITH CARDIOMYOPATHY; Salih Myopathy. Identifiers: Orphanet 289377, MedGen C2673677, MONDO:0012714, OMIM 611705. Disease mechanism: loss of function.
Myopathy, myofibrillar, 9, with early respiratory failure (MFM9). Also called: Myopathy, distal, with early respiratory failure, autosomal dominant; Hereditary myopathy with early respiratory failure; MYOPATHY, PROXIMAL, WITH EARLY RESPIRATORY MUSCLE INVOLVEMENT; EDSTROM MYOPATHY. Identifiers: Orphanet 178464, Orphanet 34521, MedGen C1863599, MONDO:0011362, OMIM 603689.
Tibial muscular dystrophy (TMD). Also called: Udd Distal Myopathy – Tibial Muscular Dystrophy; Tibial muscular dystrophy, tardive; UDD MYOPATHY. Identifiers: Orphanet 609, MedGen C1838244, MONDO:0010870, OMIM 600334.

Allele frequency attached by ClinVar (database versions not stated): gnomAD exomes 0.00381; ExAC 0.00452; TOPMed 0.00098; gnomAD 0.00178 and 0.00103; 1000 Genomes Project 30x 0.00593; 1000 Genomes Project 0.00599; ESP Exome Variant Server 0.00145.
gnomAD v4.1: 3,450 of 1,594,198 alleles (0.22%); highest among the groups gnomAD compares: South Asian, 2.2%; 52 homozygotes.

Submissions (28):

Labcorp Genetics (formerly Invitae), Labcorp
Classification: Benign for Dilated cardiomyopathy 1G; Autosomal recessive limb-girdle muscular dystrophy type 2J. Last evaluated: 2026-02-03. Review status: criteria provided, single submitter. Criteria: Invitae Variant Classification Sherloc (09022015). Collection method: clinical testing. Allele origin: germline.

ARUP Laboratories, Molecular Genetics and Genomics, ARUP Laboratories
Classification: Benign. Last evaluated: 2025-06-23. Review status: criteria provided, single submitter. Criteria: ARUP Molecular Germline Variant Investigation Process 2024. Collection method: clinical testing. Allele origin: germline.

Molecular Diagnostic Laboratory for Inherited Cardiovascular Disease, Montreal Heart Institute
Classification: Benign. Last evaluated: 2025-04-09. Review status: criteria provided, single submitter. Criteria: ACMG Guidelines, 2015. Collection method: clinical testing. Allele origin: germline. Affected: no.

Athena Diagnostics
Classification: Benign. Last evaluated: 2025-01-21. Review status: criteria provided, single submitter. Criteria: Athena Diagnostics Criteria. Collection method: clinical testing. Allele origin: unknown.
Comment: The frequency of this variant in the general population is higher than would generally be expected for pathogenic variants in this gene.

Mayo Clinic Laboratories, Mayo Clinic
Classification: Benign. Last evaluated: 2023-06-16. Review status: criteria provided, single submitter. Criteria: ACMG Guidelines, 2015. Collection method: clinical testing. Allele origin: germline. Observed: 8 variant alleles.
Comment: BS1, BS2

CeGaT Center for Human Genetics Tuebingen
Classification: Benign. Last evaluated: 2023-01-01. Review status: criteria provided, single submitter. Criteria: CeGaT Center For Human Genetics Tuebingen Variant Classification Criteria Version 2. Collection method: clinical testing. Allele origin: germline. Affected: yes. Observed: 5 variant alleles.
Comment: TTN: BP4, BP7, BS1, BS2

Genome-Nilou Lab
Classification: Benign for Autosomal recessive limb-girdle muscular dystrophy type 2J. Last evaluated: 2021-09-10. Review status: criteria provided, single submitter. Criteria: ACMG Guidelines, 2015. Collection method: clinical testing. Allele origin: germline. Affected: no.

Genome-Nilou Lab
Classification: Benign for Myopathy, myofibrillar, 9, with early respiratory failure. Last evaluated: 2021-09-10. Review status: criteria provided, single submitter. Criteria: ACMG Guidelines, 2015. Collection method: clinical testing. Allele origin: germline. Affected: no.

Genome-Nilou Lab
Classification: Benign for Early-onset myopathy with fatal cardiomyopathy. Last evaluated: 2021-09-10. Review status: criteria provided, single submitter. Criteria: ACMG Guidelines, 2015. Collection method: clinical testing. Allele origin: germline. Affected: no.

Genome-Nilou Lab
Classification: Benign for Tibial muscular dystrophy. Last evaluated: 2021-09-10. Review status: criteria provided, single submitter. Criteria: ACMG Guidelines, 2015. Collection method: clinical testing. Allele origin: germline. Affected: no.

Women's Health and Genetics/Laboratory Corporation of America, LabCorp
Classification: Benign. Last evaluated: 2020-01-06. Review status: criteria provided, single submitter. Criteria: LabCorp Variant Classification Summary - May 2015. Collection method: clinical testing. Allele origin: germline.

CHEO Genetics Diagnostic Laboratory, Children's Hospital of Eastern Ontario
Classification: Benign for Cardiomyopathy. Last evaluated: 2019-05-28. Review status: criteria provided, single submitter. Criteria: ACMG Guidelines, 2015. Collection method: clinical testing. Allele origin: germline.

Illumina Laboratory Services, Illumina
Classification: Benign for Myopathy, myofibrillar, 9, with early respiratory failure. Last evaluated: 2018-01-13. Review status: criteria provided, single submitter. Criteria: ICSL Variant Classification Criteria 13 December 2019. Collection method: clinical testing. Allele origin: germline.
Comment: This variant was observed in the ICSL laboratory as part of a predisposition screen in an ostensibly healthy population. It had not been previously curated by ICSL or reported in the Human Gene Mutation Database (HGMD: prior to June 1st, 2018), and was therefore a candidate for classification through an automated scoring system. Utilizing variant allele frequency, disease prevalence and penetrance estimates, and inheritance mode, an automated score was calculated to assess if this variant is too frequent to cause the disease. Based on the score and internal cut-off values, a variant classified as benign is not then subjected to further curation. The score for this variant resulted in a classification of benign for this disease.

Illumina Laboratory Services, Illumina
Classification: Likely benign for Dilated cardiomyopathy 1G. Last evaluated: 2018-01-13. Review status: criteria provided, single submitter. Criteria: ICSL Variant Classification Criteria 13 December 2019. Collection method: clinical testing. Allele origin: germline.
Comment: This variant was observed in the ICSL laboratory as part of a predisposition screen in an ostensibly healthy population. It had not been previously curated by ICSL or reported in the Human Gene Mutation Database (HGMD: prior to June 1st, 2018), and was therefore a candidate for classification through an automated scoring system. Utilizing variant allele frequency, disease prevalence and penetrance estimates, and inheritance mode, an automated score was calculated to assess if this variant is too frequent to cause the disease. Based on the score and internal cut-off values, a variant classified as likely benign is not then subjected to further curation. The score for this variant resulted in a classification of likely benign for this disease.

Illumina Laboratory Services, Illumina
Classification: Benign for Tibial muscular dystrophy. Last evaluated: 2018-01-13. Review status: criteria provided, single submitter. Criteria: ICSL Variant Classification Criteria 13 December 2019. Collection method: clinical testing. Allele origin: germline.
Comment: the same text as in the submission from Illumina Laboratory Services, Illumina above.

Illumina Laboratory Services, Illumina
Classification: Likely benign for Autosomal recessive limb-girdle muscular dystrophy type 2J. Last evaluated: 2018-01-13. Review status: criteria provided, single submitter. Criteria: ICSL Variant Classification Criteria 13 December 2019. Collection method: clinical testing. Allele origin: germline.
Comment: the same text as in the submission from Illumina Laboratory Services, Illumina above.

Illumina Laboratory Services, Illumina
Classification: Likely benign for Early-onset myopathy with fatal cardiomyopathy. Last evaluated: 2018-01-13. Review status: criteria provided, single submitter. Criteria: ICSL Variant Classification Criteria 13 December 2019. Collection method: clinical testing. Allele origin: germline.
Comment: the same text as in the submission from Illumina Laboratory Services, Illumina above.

Ambry Genetics
Classification: Benign for Cardiovascular phenotype. Last evaluated: 2017-02-22. Review status: criteria provided, single submitter. Criteria: Ambry Variant Classification Scheme 2023. Collection method: clinical testing. Allele origin: germline.

Eurofins Ntd Llc (ga)
Classification: Benign. Last evaluated: 2015-09-03. Review status: criteria provided, single submitter. Criteria: EGL Classification Definitions 2015. Collection method: clinical testing. Allele origin: germline. Observed: 1 variant allele, 1 heterozygote.

Laboratory for Molecular Medicine, Mass General Brigham Personalized Medicine
Classification: Benign. Last evaluated: 2015-04-28. Review status: criteria provided, single submitter. Criteria: LMM Criteria. Collection method: clinical testing. Allele origin: germline. Observed: 13 variant alleles.
Comment: p.Arg32978Arg in exon 309 of TTN: This variant is not expected to have clinical significance because it has been identified in 2.5% (384/15216) of South Asian c hromosomes, including 8 homozygotes, by the Exome Aggregation Consortium (ExAC; dbSNP rs56324602).

GeneDx
Classification: Benign. Last evaluated: 2014-04-29. Review status: criteria provided, single submitter. Criteria: GeneDx Variant Classification (06012015). Collection method: clinical testing. Allele origin: germline. Affected: yes.
Comment: This variant is considered likely benign or benign based on one or more of the following criteria: it is a conservative change, it occurs at a poorly conserved position in the protein, it is predicted to be benign by multiple in silico algorithms, and/or has population frequency not consistent with disease.

Breakthrough Genomics
Classification: Likely benign. Review status: criteria provided, single submitter. Criteria: ACMG Guidelines, 2015. Collection method: not provided. Allele origin: germline. Inheritance: Autosomal recessive inheritance. Affected: yes.

PreventionGenetics, part of Exact Sciences
Classification: Benign. Review status: criteria provided, single submitter. Criteria: ACMG Guidelines, 2015. Collection method: clinical testing. Allele origin: germline.

Clinical Genetics DNA and cytogenetics Diagnostics Lab, Erasmus MC, Erasmus Medical Center
Classification: Likely benign. Review status: no assertion criteria provided. Collection method: clinical testing. Allele origin: germline. Affected: yes. Study: VKGL Data-share Consensus. Not counted in ClinVar's aggregate classification.

Clinical Genetics, Academic Medical Center
Classification: Benign. Review status: no assertion criteria provided. Collection method: clinical testing. Allele origin: germline. Affected: yes. Study: VKGL Data-share Consensus. Not counted in ClinVar's aggregate classification.

Diagnostic Laboratory, Department of Genetics, University Medical Center Groningen
Classification: Likely benign. Review status: no assertion criteria provided. Collection method: clinical testing. Allele origin: germline. Affected: yes. Study: VKGL Data-share Consensus. Not counted in ClinVar's aggregate classification.

Joint Genome Diagnostic Labs from Nijmegen and Maastricht, Radboudumc and MUMC+
Classification: Benign. Review status: no assertion criteria provided. Collection method: clinical testing. Allele origin: germline. Affected: yes. Study: VKGL Data-share Consensus. Not counted in ClinVar's aggregate classification.

Laboratory of Diagnostic Genome Analysis, Leiden University Medical Center (LUMC)
Classification: Likely benign. Review status: no assertion criteria provided. Collection method: clinical testing. Allele origin: germline. Affected: yes. Study: VKGL Data-share Consensus. Not counted in ClinVar's aggregate classification.